The following is an entry in ClinVar:

NM_025099.6(CTC1):c.1375G>C (p.Glu459Gln)

Gene: CTC1 (CST telomere replication complex component 1; minus strand). Cytogenetic location: 17p13.1.
Variant type: single nucleotide variant.
Coding change: c.1375G>C on transcript NM_025099.6 (MANE Select); coding-DNA position 1375, G replaced by C.
Protein change: p.Glu459Gln; replaces glutamic acid 459 with glutamine.
Molecular consequence: missense variant. On other transcripts: non-coding transcript variant (1).
Genome position (GRCh38, 1-based): chr17:8,235,117, C>G on the plus strand (G>C on the coding strand, the complement: CTC1 is on the minus strand). VCF-style: chr17-8235117-C-G. GRCh37 (hg19) VCF-style: chr17-8138435-C-G.
Other names: c.1375G>C, p.Glu459Gln (NM_001411067.1); short protein forms E459Q.
Identifiers: ClinVar variation 2186419 (VCV002186419.4), dbSNP rs1987593016, ClinGen allele CA397984574.
Genomic context (GRCh38, chr17:8,235,117, plus strand): 5'-AGGCCAGCTCCTCCAGGGCCTTGGTAGCCCACAGGTAGAGGGGAAGTCCTAACTGACGTT[C>G]CCACACCAGCTGCTCGTACAGGGAGGCCCCGTAGGCTTGACGGGATGAGTGAGCCCCAGG-3'
Protein context (NP_079375.3, residues 449-469): GASLYEQLVW[Glu459Gln]RQLGLPLYLW

ClinVar aggregate classification (germline): Uncertain significance (1 of 4 stars; one submission).

Conditions:
Dyskeratosis congenita. Identifiers: Orphanet 1775, MedGen C0265965, MONDO:0015780.

Allele frequency attached by ClinVar (database versions not stated): gnomAD exomes below 0.00001.

Submission:

Labcorp Genetics (formerly Invitae), Labcorp
Classification: Uncertain significance for Dyskeratosis congenita. Last evaluated: 2022-08-22. Review status: criteria provided, single submitter. Criteria: Invitae Variant Classification Sherloc (09022015). Collection method: clinical testing. Allele origin: germline.
Comment: In summary, the available evidence is currently insufficient to determine the role of this variant in disease. Therefore, it has been classified as a Variant of Uncertain Significance. Algorithms developed to predict the effect of missense changes on protein structure and function (SIFT, PolyPhen-2, Align-GVGD) all suggest that this variant is likely to be tolerated. This variant has not been reported in the literature in individuals affected with CTC1-related conditions. This variant is not present in population databases (gnomAD no frequency). This sequence change replaces glutamic acid, which is acidic and polar, with glutamine, which is neutral and polar, at codon 459 of the CTC1 protein (p.Glu459Gln).